The following is an entry in ClinVar:

NM_015272.5(RPGRIP1L):c.3745G>A (p.Asp1249Asn)

Gene: RPGRIP1L (RPGRIP1 like; minus strand). Cytogenetic location: 16q12.2.
Variant type: single nucleotide variant.
Coding change: c.3745G>A on transcript NM_015272.5 (MANE Select); coding-DNA position 3745, G replaced by A.
Protein change: p.Asp1249Asn; replaces aspartic acid 1249 with asparagine.
Molecular consequence: missense variant.
Genome position (GRCh38, 1-based): chr16:53,605,571, C>T on the plus strand (G>A on the coding strand, the complement: RPGRIP1L is on the minus strand). VCF-style: chr16-53605571-C-T. GRCh37 (hg19) VCF-style: chr16-53639483-C-T.
Other names: c.3505G>A, p.Asp1169Asn (NM_001127897.4); c.3607G>A, p.Asp1203Asn (NM_001308334.3); c.3643G>A, p.Asp1215Asn (NM_001330538.2); short protein forms D1169N, D1203N, D1215N, D1249N.
Identifiers: ClinVar variation 3345438 (VCV003345438.2).

ClinVar aggregate classification (germline): Uncertain significance. Review status: no assertion criteria provided (0 of 4 stars). 2 submissions from 2 submitters: Uncertain significance (2). Last evaluated 2025-02-03.

Conditions:
Joubert syndrome. Also called: Familial aplasia of the vermis; JOUBERT-BOLTSHAUSER SYNDROME. Identifiers: Orphanet 475, MedGen C5979921, MONDO:0018772.
RPGRIP1L-related disorder. Also called: RPGRIP1L-related condition; RPGRIP1L-related disorders. Identifiers: MedGen CN239416.

gnomAD v4.1: 1 of 1,614,044 alleles (0.000062%); highest among the groups gnomAD compares: African/African-American, 0.0013%; no homozygotes.

Submissions (2):

Natera, Inc.
Classification: Uncertain significance for Joubert syndrome. Last evaluated: 2025-02-03. Review status: no assertion criteria provided. Collection method: clinical testing. Allele origin: germline.

PreventionGenetics, part of Exact Sciences
Classification: Uncertain significance for RPGRIP1L-related condition. Last evaluated: 2024-06-06. Review status: no assertion criteria provided. Collection method: clinical testing. Allele origin: germline.
Comment: The RPGRIP1L c.3745G>A variant is predicted to result in the amino acid substitution p.Asp1249Asn. To our knowledge, this variant has not been reported in the literature. This variant is reported in 0.0065% of alleles in individuals of European (Non-Finnish) descent in gnomAD. At this time, the clinical significance of this variant is uncertain due to the absence of conclusive functional and genetic evidence.